The following is an entry in ClinVar:

ClinVar aggregate classification (germline): Pathogenic (1 of 4 stars; one submission).

Conditions:
Deficiency of malonyl-CoA decarboxylase. Also called: Malonic aciduria; MCD deficiency. Identifiers: Orphanet 943, MedGen C0342793, MONDO:0009556, OMIM 248360.

Submission:

Labcorp Genetics (formerly Invitae), Labcorp
Classification: Pathogenic for Deficiency of malonyl-CoA decarboxylase. Last evaluated: 2023-08-16. Review status: criteria provided, single submitter. Criteria: Invitae Variant Classification Sherloc (09022015). Collection method: clinical testing. Allele origin: germline.
Comment: This sequence change creates a premature translational stop signal (p.Ser241Leufs*17) in the MLYCD gene. It is expected to result in an absent or disrupted protein product. Loss-of-function variants in MLYCD are known to be pathogenic (PMID: 12955715, 17186413). For these reasons, this variant has been classified as Pathogenic. This variant has not been reported in the literature in individuals affected with MLYCD-related conditions. This variant is not present in population databases (gnomAD no frequency).

Literature cited by the submitters: PubMed 12955715; PubMed 17186413.

NM_012213.3(MLYCD):c.721del (p.Ser241fs)

Gene: MLYCD (malonyl-CoA decarboxylase; plus strand). Cytogenetic location: 16q23.3.
Variant type: Deletion.
Coding change: c.721del on transcript NM_012213.3 (MANE Select); coding-DNA position 721, one base deleted (T; older notation c.721delT).
Protein change: p.Ser241fs; shifts the reading frame from serine 241.
Molecular consequence: frameshift variant.
Genome position (GRCh38, 1-based): chr16:83,908,205, T deleted; the last of 4 consecutive T bases (chr16:83,908,202-83,908,205); deleting any one gives the same sequence. VCF-style (leftmost placement, unchanged base first): chr16-83908201-CT-C. GRCh37 (hg19) VCF-style: chr16-83941806-CT-C.
Other names: short protein forms S241fs.
Identifiers: ClinVar variation 2882163 (VCV002882163.3), dbSNP rs2507382189, ClinGen allele CA2634557751.